The following is an entry in ClinVar:

NM_001009944.3(PKD1):c.10748del (p.Gly3583fs)

Genes: PKD1 (polycystin 1, transient receptor potential channel interacting; minus strand), PKD1-AS1 (PKD1 antisense RNA 1; plus strand). Cytogenetic location: 16p13.3.
Variant type: Deletion.
Coding change: c.10748del on transcript NM_001009944.3 (MANE Select); coding-DNA position 10748, one base deleted (G; older notation c.10748delG).
Protein change: p.Gly3583fs; shifts the reading frame from glycine 3583.
Molecular consequence: frameshift variant.
Genome position (GRCh38, 1-based): chr16:2,093,884, C deleted on the plus strand (G on the coding strand, the reverse complement: PKD1 is on the minus strand); the first of 3 consecutive C bases (chr16:2,093,884-2,093,886); deleting any one gives the same sequence. VCF-style (leftmost placement, unchanged base first): chr16-2093883-GC-G. GRCh37 (hg19) VCF-style: chr16-2143884-GC-G.
Other names: c.10748delG (NM_001009944.2); c.10745del, p.Gly3582fs (NM_000296.4); short protein forms G3582fs, G3583fs.
Identifiers: ClinVar variation 1324915 (VCV001324915.4), dbSNP rs2151708652, ClinGen allele CA923726310.

ClinVar aggregate classification (germline): Pathogenic/Likely pathogenic. Review status: criteria provided, multiple submitters, no conflicts (2 of 4 stars). 2 submissions from 2 submitters: Pathogenic (1); Likely pathogenic (1). Last evaluated 2020-07-02.

Conditions:
PKD1-related disorder. Also called: PKD1-related condition.
Polycystic kidney disease, adult type (PKD1). Also called: Polycystic Kidney Disease 1, Autosomal Dominant; Polycystic kidney disease 1; Polycystic kidney disease 1, severe; Polycystic Kidney, Autosomal Dominant; POLYCYSTIC KIDNEY DISEASE 1 WITH OR WITHOUT POLYCYSTIC LIVER DISEASE; POLYCYSTIC KIDNEY DISEASE, ADULT, TYPE I. Identifiers: MedGen C3149841, MONDO:0008263, OMIM 173900.

Submissions (2):

Victorian Clinical Genetics Services, Murdoch Childrens Research Institute
Classification: Pathogenic for Polycystic kidney disease, adult type. Last evaluated: 2020-07-02. Review status: criteria provided, single submitter. Criteria: ACMG Guidelines, 2015. Collection method: clinical testing. Allele origin: germline. Inheritance: Autosomal dominant inheritance.
Comment: Based on the classification scheme VCGS_Germline_v1.3.3, this variant is classified as Pathogenic. Following criteria are met: 0102 - Loss of function is a known mechanism of disease in this gene and is associated with polycystic kidney disease. (I) 0107 - This gene is associated with autosomal dominant disease. Predominantly caused by monoallelic variants, with rare reports of biallelic variants causing disease (I) 0201 - Variant is predicted to cause nonsense-mediated decay (NMD) and loss of protein (premature termination codon is located at least 54 nucleotides upstream of the final exon-exon junction). (SP) 0251 - This variant is heterozygous. (I) 0301 - Variant is absent from gnomAD (both v2 and v3). (SP) 0701 - Other NMD-predicted variants comparable to the one identified in this case have very strong previous evidence for pathogenicity (Clinvar). (SP) 0807 - This variant has no previous evidence of pathogenicity. (I) 0905 - No published segregation evidence has been identified for this variant. (I) 1007 - No published functional evidence has been identified for this variant. (I) 1208 - Inheritance information for this variant is not currently available in this individual. (I) Legend: (SP) - Supporting pathogenic, (I) - Information, (SB) - Supporting benign

Blueprint Genetics
Classification: Likely pathogenic for PKD1-related disorders. Last evaluated: 2019-12-22. Review status: criteria provided, single submitter. Criteria: ACMG Guidelines, 2015. Collection method: clinical testing. Allele origin: germline. Affected: yes. Observed: 1 variant allele.